The following is an entry in ClinVar:

ClinVar aggregate classification (germline): Benign/Likely benign. Review status: criteria provided, multiple submitters, no conflicts (2 of 4 stars). 6 submissions from 6 submitters: Benign (1); Likely benign (1). 4 of the submissions do not count toward it. Last evaluated 2026-02-03.

Conditions:
Dilated cardiomyopathy 1R (CMD1R). Identifiers: Orphanet 154, Orphanet 54260, MedGen C3150681, MONDO:0013261, OMIM 613424.
Hypertrophic cardiomyopathy 11. Also called: ACTC1-Related Familial Hypertrophic Cardiomyopathy. Identifiers: MedGen C2677506, MONDO:0012799, OMIM 612098.
Atrial septal defect 5 (ASD5). Identifiers: Orphanet 1478, MedGen C2748552, MONDO:0013011, OMIM 612794.
ACTC1-related disorder. Also called: ACTC1-related condition.

Submissions (6):

Labcorp Genetics (formerly Invitae), Labcorp
Classification: Likely benign for Dilated cardiomyopathy 1R; Hypertrophic cardiomyopathy 11; Atrial septal defect 5. Last evaluated: 2026-02-03. Review status: criteria provided, single submitter. Criteria: Invitae Variant Classification Sherloc (09022015). Collection method: clinical testing. Allele origin: germline.

Women's Health and Genetics/Laboratory Corporation of America, LabCorp
Classification: Benign. Last evaluated: 2019-08-13. Review status: criteria provided, single submitter. Criteria: LabCorp Variant Classification Summary - May 2015. Collection method: clinical testing. Allele origin: germline.
Comment: Variant summary: ACTC1 c.809-18_809-13delTGTGTG alters a nucleotide located close to a canonical splice site and therefore could affect mRNA splicing, leading to a significantly altered protein sequence. 5/5 computational tools predict no significant impact on normal splicing. However, these predictions have yet to be confirmed by functional studies. The variant was absent in 106928 control chromosomes (gnomAD). However, the variant is located in a highly polymorphic region within a run of TG dinucleotide tandem repeats. In addition, surrounding variants with variations of TG repeats (expansions and deletions) have been classified as benign. Therefore, suggesting the region is tolerable to expansions and deletions of this dinucleotide sequence. To our knowledge, no occurrence of c.809-18_809-13delTGTGTG in individuals affected with Cardiomyopathy and no experimental evidence demonstrating its impact on protein function have been reported. No clinical diagnostic laboratories have submitted clinical-significance assessments for this variant to ClinVar after 2014. Based on the evidence outlined above, the variant was classified as benign.

PreventionGenetics, part of Exact Sciences
Classification: Likely benign for ACTC1-related condition. Last evaluated: 2021-04-21. Review status: no assertion criteria provided. Collection method: clinical testing. Allele origin: germline. Not counted in ClinVar's aggregate classification.
Comment: This variant is classified as likely benign based on ACMG/AMP sequence variant interpretation guidelines (Richards et al. 2015 PMID: 25741868, with internal and published modifications).

Diagnostic Laboratory, Department of Genetics, University Medical Center Groningen
Classification: Benign. Review status: no assertion criteria provided. Collection method: clinical testing. Allele origin: germline. Affected: yes. Study: VKGL Data-share Consensus. Not counted in ClinVar's aggregate classification.

Genome Diagnostics Laboratory, University Medical Center Utrecht
Classification: Benign. Review status: no assertion criteria provided. Collection method: clinical testing. Allele origin: germline. Affected: yes. Study: VKGL Data-share Consensus. Not counted in ClinVar's aggregate classification.

Joint Genome Diagnostic Labs from Nijmegen and Maastricht, Radboudumc and MUMC+
Classification: Benign. Review status: no assertion criteria provided. Collection method: clinical testing. Allele origin: germline. Affected: yes. Study: VKGL Data-share Consensus. Not counted in ClinVar's aggregate classification.

NM_005159.5(ACTC1):c.809-58TG[20]

Genes: GJD2-DT (GJD2 divergent transcript; plus strand), ACTC1 (actin alpha cardiac muscle 1; minus strand). Cytogenetic location: 15q14.
Variant type: Microsatellite.
Coding change: c.809-58TG[20] on transcript NM_005159.5 (MANE Select); 20 copies in a row of the 2-base unit TG starting at c.809-58; the reference has 23 copies in a row; three copies, 6 bases deleted.
Molecular consequence: intron variant.
Genome position (GRCh38, 1-based): chr15:34,791,308-34,791,313, CACACA deleted on the plus strand (TGTGTG on the coding strand, the reverse complement: ACTC1 is on the minus strand); deleting any 6 consecutive bases within chr15:34,791,308-34,791,353 gives the same sequence; the position shown is the placement nearest the transcript's 3' end. VCF-style (leftmost placement, unchanged base first): chr15-34791307-TCACACA-T. GRCh37 (hg19) VCF-style: chr15-35083508-TCACACA-T.
Other names: c.809-18_809-13del6 (NM_005159.4).
Identifiers: ClinVar variation 929117 (VCV000929117.16), dbSNP rs59431308, ClinGen allele CA268661160.